The following is an entry in ClinVar:

ClinVar aggregate classification (germline): Uncertain significance (1 of 4 stars; one submission).

Submission:

Labcorp Genetics (formerly Invitae), Labcorp
Classification: Uncertain significance. Last evaluated: 2022-01-04. Review status: criteria provided, single submitter. Criteria: Invitae Variant Classification Sherloc (09022015). Collection method: clinical testing. Allele origin: germline.
Comment: In summary, the available evidence is currently insufficient to determine the role of this variant in disease. Therefore, it has been classified as a Variant of Uncertain Significance. Algorithms developed to predict the effect of missense changes on protein structure and function are either unavailable or do not agree on the potential impact of this missense change (SIFT: "Tolerated"; PolyPhen-2: "Probably Damaging"; Align-GVGD: "Class C0"). This variant has not been reported in the literature in individuals affected with NFIA-related conditions. This variant is not present in population databases (gnomAD no frequency). This sequence change replaces serine, which is neutral and polar, with cysteine, which is neutral and slightly polar, at codon 256 of the NFIA protein (p.Ser256Cys).

NM_001134673.4(NFIA):c.766A>T (p.Ser256Cys)

Gene: NFIA (nuclear factor I A; plus strand). Cytogenetic location: 1p31.3.
Variant type: single nucleotide variant.
Coding change: c.766A>T on transcript NM_001134673.4 (MANE Select); coding-DNA position 766, A replaced by T.
Protein change: p.Ser256Cys; replaces serine 256 with cysteine.
Molecular consequence: missense variant.
Genome position (GRCh38, 1-based): chr1:61,352,515, A>T. VCF-style: chr1-61352515-A-T. GRCh37 (hg19) VCF-style: chr1-61818187-A-T.
Other names: c.742A>T, p.Ser248Cys (NM_001145511.2); c.901A>T, p.Ser301Cys (NM_001145512.2); c.766A>T, p.Ser256Cys (NM_005595.5); short protein forms S248C, S256C, S301C.
Identifiers: ClinVar variation 2073626 (VCV002073626.4), dbSNP rs2525109508, ClinGen allele CA340587869.